The following is an entry in ClinVar:

NM_021076.4(NEFH):c.2878G>A (p.Glu960Lys)

Gene: NEFH (neurofilament heavy chain; plus strand). Cytogenetic location: 22q12.2.
Variant type: single nucleotide variant.
Coding change: c.2878G>A on transcript NM_021076.4 (MANE Select); coding-DNA position 2878, G replaced by A.
Protein change: p.Glu960Lys; replaces glutamic acid 960 with lysine.
Molecular consequence: missense variant.
Genome position (GRCh38, 1-based): chr22:29,490,518, G>A. VCF-style: chr22-29490518-G-A. GRCh37 (hg19) VCF-style: chr22-29886507-G-A.
Other names: short protein forms E960K.
Identifiers: ClinVar variation 2434324 (VCV002434324.5), dbSNP rs1209300905, ClinGen allele CA411138948.

ClinVar aggregate classification (germline): Uncertain significance. Review status: criteria provided, multiple submitters, no conflicts (2 of 4 stars). 2 submissions from 2 submitters: Uncertain significance (2). Last evaluated 2024-01-21.

Conditions:
Charcot-Marie-Tooth disease axonal type 2CC. Also called: CHARCOT-MARIE-TOOTH NEUROPATHY, TYPE 2CC. Identifiers: MedGen C4310790, MONDO:0014836, OMIM 616924.

Allele frequency attached by ClinVar (database versions not stated): gnomAD exomes below 0.00001; gnomAD 0.00001.

Submissions (2):

Labcorp Genetics (formerly Invitae), Labcorp
Classification: Uncertain significance. Last evaluated: 2024-01-21. Review status: criteria provided, single submitter. Criteria: Invitae Variant Classification Sherloc (09022015). Collection method: clinical testing. Allele origin: germline.
Comment: This sequence change replaces glutamic acid, which is acidic and polar, with lysine, which is basic and polar, at codon 960 of the NEFH protein (p.Glu960Lys). This variant is present in population databases (no rsID available, gnomAD 0.006%). This variant has not been reported in the literature in individuals affected with NEFH-related conditions. ClinVar contains an entry for this variant (Variation ID: 2434324). Advanced modeling of protein sequence and biophysical properties (such as structural, functional, and spatial information, amino acid conservation, physicochemical variation, residue mobility, and thermodynamic stability) performed at Invitae indicates that this missense variant is not expected to disrupt NEFH protein function with a negative predictive value of 95%. In summary, the available evidence is currently insufficient to determine the role of this variant in disease. Therefore, it has been classified as a Variant of Uncertain Significance.

Revvity Omics, Revvity
Classification: Uncertain significance for Charcot-Marie-Tooth disease axonal type 2CC. Last evaluated: 2021-10-13. Review status: criteria provided, single submitter. Criteria: ACMG Guidelines, 2015. Collection method: clinical testing. Allele origin: germline.